The following is an entry in ClinVar:

NM_001252024.2(TRPM1):c.4091C>T (p.Ala1364Val)

Gene: TRPM1 (transient receptor potential cation channel subfamily M member 1; minus strand). Cytogenetic location: 15q13.3.
Variant type: single nucleotide variant.
Coding change: c.4091C>T on transcript NM_001252024.2 (MANE Select); coding-DNA position 4091, C replaced by T.
Protein change: p.Ala1364Val; replaces alanine 1364 with valine.
Molecular consequence: missense variant.
Genome position (GRCh38, 1-based): chr15:31,002,609, G>A on the plus strand (C>T on the coding strand, the complement: TRPM1 is on the minus strand). VCF-style: chr15-31002609-G-A. GRCh37 (hg19) VCF-style: chr15-31294812-G-A.
Other names: c.4142C>T, p.Ala1381Val (NM_001252020.2); c.4025C>T, p.Ala1342Val (NM_002420.6); c.4025C>T (NM_002420.4); short protein forms A1381V, A1342V, A1364V.
Identifiers: ClinVar variation 1955778 (VCV001955778.6), dbSNP rs764091956, ClinGen allele CA391528599.

ClinVar aggregate classification (germline): Uncertain significance. Review status: criteria provided, multiple submitters, no conflicts (2 of 4 stars). 2 submissions from 2 submitters: Uncertain significance (2). Last evaluated 2025-04-20.

Conditions:
Inborn genetic diseases. Identifiers: MedGen C0950123, MeSH D030342.

gnomAD v4.1: 2 of 1,614,134 alleles (0.00012%); highest among the groups gnomAD compares: East Asian, 0.0045%; no homozygotes.

Submissions (2):

Ambry Genetics
Classification: Uncertain significance for Inborn genetic diseases. Last evaluated: 2025-04-20. Review status: criteria provided, single submitter. Criteria: Ambry Variant Classification Scheme 2023. Collection method: clinical testing. Allele origin: germline.

Labcorp Genetics (formerly Invitae), Labcorp
Classification: Uncertain significance. Last evaluated: 2022-07-15. Review status: criteria provided, single submitter. Criteria: Invitae Variant Classification Sherloc (09022015). Collection method: clinical testing. Allele origin: germline.
Comment: This variant has not been reported in the literature in individuals affected with TRPM1-related conditions. Algorithms developed to predict the effect of missense changes on protein structure and function output the following: SIFT: "Tolerated"; PolyPhen-2: "Benign"; Align-GVGD: "Class C0". The valine amino acid residue is found in multiple mammalian species, which suggests that this missense change does not adversely affect protein function. In summary, the available evidence is currently insufficient to determine the role of this variant in disease. Therefore, it has been classified as a Variant of Uncertain Significance. This sequence change replaces alanine, which is neutral and non-polar, with valine, which is neutral and non-polar, at codon 1342 of the TRPM1 protein (p.Ala1342Val). This variant is present in population databases (no rsID available, gnomAD 0.006%).